The following is an entry in ClinVar:

ClinVar aggregate classification (germline): Uncertain significance. Review status: criteria provided, multiple submitters, no conflicts (2 of 4 stars). 2 submissions from 2 submitters: Uncertain significance (2). Last evaluated 2024-09-30.

Conditions:
Inborn genetic diseases. Identifiers: MedGen C0950123, MeSH D030342.

Allele frequency attached by ClinVar (database versions not stated): TOPMed 0.00001; gnomAD 0.00003; gnomAD exomes 0.00004.
gnomAD v4.1: 56 of 1,613,962 alleles (0.0035%); highest among the groups gnomAD compares: Non-Finnish European, 0.0047%; no homozygotes.

Submissions (2):

Labcorp Genetics (formerly Invitae), Labcorp
Classification: Uncertain significance. Last evaluated: 2024-09-30. Review status: criteria provided, single submitter. Criteria: Invitae Variant Classification Sherloc (09022015). Collection method: clinical testing. Allele origin: germline.
Comment: This sequence change replaces leucine, which is neutral and non-polar, with proline, which is neutral and non-polar, at codon 528 of the PPP2R5D protein (p.Leu528Pro). This variant is present in population databases (rs767659728, gnomAD 0.01%). This variant has not been reported in the literature in individuals affected with PPP2R5D-related conditions. ClinVar contains an entry for this variant (Variation ID: 2398170). An algorithm developed to predict the effect of missense changes on protein structure and function (PolyPhen-2) suggests that this variant is likely to be tolerated. In summary, the available evidence is currently insufficient to determine the role of this variant in disease. Therefore, it has been classified as a Variant of Uncertain Significance.

Ambry Genetics
Classification: Uncertain significance for Inborn genetic diseases. Last evaluated: 2022-09-14. Review status: criteria provided, single submitter. Criteria: Ambry Variant Classification Scheme 2023. Collection method: clinical testing. Allele origin: germline.

NM_006245.4(PPP2R5D):c.1583T>C (p.Leu528Pro)

Gene: PPP2R5D (protein phosphatase 2 regulatory subunit B'delta; plus strand). Cytogenetic location: 6p21.1.
Variant type: single nucleotide variant.
Coding change: c.1583T>C on transcript NM_006245.4 (MANE Select); coding-DNA position 1583, T replaced by C.
Protein change: p.Leu528Pro; replaces leucine 528 with proline.
Molecular consequence: missense variant.
Genome position (GRCh38, 1-based): chr6:43,010,909, T>C. VCF-style: chr6-43010909-T-C. GRCh37 (hg19) VCF-style: chr6-42978647-T-C.
Other names: c.1130T>C, p.Leu377Pro (NM_001270476.2); c.1487T>C, p.Leu496Pro (NM_180976.3); c.1265T>C, p.Leu422Pro (NM_180977.3); short protein forms L422P, L377P, L496P, L528P.
Identifiers: ClinVar variation 2398170 (VCV002398170.5), dbSNP rs767659728, ClinGen allele CA138213375.